The following is an entry in ClinVar:

ClinVar aggregate classification (germline): Pathogenic. Review status: criteria provided, multiple submitters, no conflicts (2 of 4 stars). 4 submissions from 4 submitters: Pathogenic (4). Last evaluated 2026-02-11.

Conditions:
Breast-ovarian cancer, familial, susceptibility to, 1 (BROVCA1). Also called: BRCA1 Hereditary Breast and Ovarian Cancer; OVARIAN CANCER, SUSCEPTIBILITY TO. Identifiers: Orphanet 145, MedGen C2676676, MONDO:0011450, OMIM 604370. Disease mechanism: loss of function.
Hereditary cancer-predisposing syndrome. Also called: Tumor predisposition; Neoplastic Syndromes, Hereditary; Hereditary Cancer Syndrome; Hereditary neoplastic syndrome. Identifiers: Orphanet 140162, MedGen C0027672, MeSH D009386, MONDO:0015356.

Submissions (4):

Ambry Genetics
Classification: Pathogenic for Hereditary cancer-predisposing syndrome. Last evaluated: 2026-02-11. Review status: criteria provided, single submitter. Criteria: Ambry Variant Classification Scheme 2023. Collection method: clinical testing. Allele origin: germline.
Comment: The c.3307_3308insC pathogenic mutation, located in coding exon 9 of the BRCA1 gene, results from an insertion of one nucleotide at position 3307, causing a translational frameshift with a predicted alternate stop codon (p.C1103Sfs*2). This variant is considered to be rare based on population cohorts in the Genome Aggregation Database (gnomAD). This alteration is expected to result in loss of function by premature protein truncation or nonsense-mediated mRNA decay. As such, this alteration is interpreted as a disease-causing mutation.

Center for Genomic Medicine, Rigshospitalet, Copenhagen University Hospital
Classification: Pathogenic. Last evaluated: 2025-12-29. Review status: criteria provided, single submitter. Criteria: ACMG Guidelines, 2015. Collection method: clinical testing. Allele origin: germline.
Comment: Classification criteria: PVS1, PM5_strong, PM2_supporting

Institute of Human Genetics, University of Leipzig Medical Center
Classification: Pathogenic for Breast-ovarian cancer, familial, susceptibility to, 1. Last evaluated: 2018-11-15. Review status: criteria provided, single submitter. Criteria: ACMG Guidelines, 2015. Collection method: clinical testing. Allele origin: germline. Affected: yes. Observed: 1 variant allele.

GeneDx
Classification: Pathogenic. Last evaluated: 2017-07-27. Review status: criteria provided, single submitter. Criteria: GeneDx Variant Classification (06012015). Collection method: clinical testing. Allele origin: germline. Affected: yes.
Comment: This insertion of one nucleotide in BRCA1 is denoted c.3307_3308insC at the cDNA level and p.Cys1103SerfsX2 (C1103SfsX2) at the protein level. Using alternate nomenclature, this variant would be defined as BRCA1 3426_3427insC. The normal sequence, with the base that is inserted in brackets, is AATT[insC]GTAA. The insertion causes a frameshift which changes a Cysteine to a Serine at codon 1103, and creates a premature stop codon at position 2 of the new reading frame. It is predicted to cause loss of normal protein function through either protein truncation or nonsense-mediated mRNA decay. BRCA1 c.3307_3308insC has been reported in at least one individual with epithelial ovarian cancer (Plaskocinska 2016). We consider this variant to be pathogenic.

NM_007294.4(BRCA1):c.3307_3308insC (p.Cys1103fs)

Genes: BRCA1 (BRCA1 DNA repair associated; minus strand), LOC126862571 (BRD4-independent group 4 enhancer GRCh37_chr17:41243136-41244335; plus strand). Cytogenetic location: 17q21.31.
Variant type: Insertion.
Coding change: c.3307_3308insC on transcript NM_007294.4 (MANE Select); coding-DNA positions 3307 to 3308, C inserted.
Protein change: p.Cys1103fs; shifts the reading frame from cysteine 1103.
Molecular consequence: frameshift variant. On other transcripts: intron variant (137).
Genome position: GRCh38 VCF-style: chr17-43092223-C-CG. GRCh37 (hg19) VCF-style: chr17-41244240-C-CG.
Other names: c.3094_3095insC, p.Cys1032fs (NM_001407571.1, NM_001407853.1, NM_001407894.1 and 9 more transcripts); c.3307_3308insC, p.Cys1103fs (NM_001407581.1, NM_001407582.1, NM_001407583.1 and 30 more transcripts); c.3304_3305insC, p.Cys1102fs (NM_001407587.1, NM_001407590.1, NM_001407591.1 and 22 more transcripts); c.3298_3299insC, p.Cys1100fs (NM_001407646.1, NM_001407647.1); c.3184_3185insC, p.Cys1062fs (NM_001407648.1, NM_001407664.1, NM_001407665.1 and 19 more transcripts); c.3181_3182insC, p.Cys1061fs (NM_001407649.1, NM_001407670.1, NM_001407671.1 and 11 more transcripts); c.3229_3230insC, p.Cys1077fs (NM_001407653.1, NM_001407654.1, NM_001407655.1 and 4 more transcripts); c.3226_3227insC, p.Cys1076fs (NM_001407659.1, NM_001407660.1, NM_001407661.1 and 1 more transcripts); and 41 more; short protein forms C1056fs, C1103fs, C1014fs, C1033fs, C1061fs, C1076fs, C1102fs, C1032fs.
Identifiers: ClinVar variation 545805 (VCV000545805.8), dbSNP rs1555587988, ClinGen allele CA658823976.